The following is an entry in ClinVar:

ClinVar aggregate classification (germline): Uncertain significance (1 of 4 stars; one submission).

Submission:

Labcorp Genetics (formerly Invitae), Labcorp
Classification: Uncertain significance. Last evaluated: 2025-03-30. Review status: criteria provided, single submitter. Criteria: Invitae Variant Classification Sherloc (09022015). Collection method: clinical testing. Allele origin: germline.
Comment: This sequence change replaces aspartic acid, which is acidic and polar, with glutamic acid, which is acidic and polar, at codon 899 of the JAK1 protein (p.Asp899Glu). This variant is not present in population databases (gnomAD no frequency). This variant has not been reported in the literature in individuals affected with JAK1-related conditions. ClinVar contains an entry for this variant (Variation ID: 2767823). Invitae Evidence Modeling of protein sequence and biophysical properties (such as structural, functional, and spatial information, amino acid conservation, physicochemical variation, residue mobility, and thermodynamic stability) indicates that this missense variant is not expected to disrupt JAK1 protein function with a negative predictive value of 80%. In summary, the available evidence is currently insufficient to determine the role of this variant in disease. Therefore, it has been classified as a Variant of Uncertain Significance.

NM_002227.4(JAK1):c.2697C>G (p.Asp899Glu)

Gene: JAK1 (Janus kinase 1; minus strand). Cytogenetic location: 1p31.3.
Variant type: single nucleotide variant.
Coding change: c.2697C>G on transcript NM_002227.4 (MANE Select); coding-DNA position 2697, C replaced by G.
Protein change: p.Asp899Glu; replaces aspartic acid 899 with glutamic acid.
Molecular consequence: missense variant.
Genome position (GRCh38, 1-based): chr1:64,839,748, G>C on the plus strand (C>G on the coding strand, the complement: JAK1 is on the minus strand). VCF-style: chr1-64839748-G-C. GRCh37 (hg19) VCF-style: chr1-65305431-G-C.
Other names: c.2697C>G, p.Asp899Glu (NM_001320923.2, NM_001321852.2, NM_001321853.2 and 3 more transcripts); c.2694C>G, p.Asp898Glu (NM_001321857.2); short protein forms D898E, D899E.
Identifiers: ClinVar variation 2767823 (VCV002767823.3), dbSNP rs2100962330, ClinGen allele CA340665358.